The following is an entry in ClinVar:

ClinVar aggregate classification (germline): Uncertain significance. Review status: criteria provided, multiple submitters, no conflicts (2 of 4 stars). 3 submissions from 3 submitters: Uncertain significance (3). Last evaluated 2024-10-01.

Conditions:
Inborn genetic diseases. Identifiers: MedGen C0950123, MeSH D030342.
TH-deficient dopa-responsive dystonia. Also called: DYT-TH; Tyrosine Hydroxylase-Deficient Dopa-Responsive Dystonia; Segawa syndrome, autosomal recessive. Identifiers: Orphanet 101150, MedGen C2673535, MONDO:0011551, OMIM 605407.

Allele frequency attached by ClinVar (database versions not stated): gnomAD 0.00001 and 0.00002; gnomAD exomes 0.00001 and 0.00003; TOPMed 0.00003.
gnomAD v4.1: 38 of 1,609,194 alleles (0.0024%); highest among the groups gnomAD compares: Middle Eastern, 0.044%; no homozygotes.

Submissions (3):

Ambry Genetics
Classification: Uncertain significance for Inborn genetic diseases. Last evaluated: 2024-10-01. Review status: criteria provided, single submitter. Criteria: Ambry Variant Classification Scheme 2023. Collection method: clinical testing. Allele origin: germline.

Labcorp Genetics (formerly Invitae), Labcorp
Classification: Uncertain significance for TH-deficient dopa-responsive dystonia. Last evaluated: 2022-08-21. Review status: criteria provided, single submitter. Criteria: Invitae Variant Classification Sherloc (09022015). Collection method: clinical testing. Allele origin: germline.
Comment: This sequence change replaces arginine, which is basic and polar, with glutamine, which is neutral and polar, at codon 64 of the TH protein (p.Arg64Gln). The frequency data for this variant in the population databases is considered unreliable, as metrics indicate poor data quality at this position in the gnomAD database. This variant has not been reported in the literature in individuals affected with TH-related conditions. ClinVar contains an entry for this variant (Variation ID: 493087). Advanced modeling of protein sequence and biophysical properties (such as structural, functional, and spatial information, amino acid conservation, physicochemical variation, residue mobility, and thermodynamic stability) performed at Invitae indicates that this missense variant is not expected to disrupt TH protein function. Algorithms developed to predict the effect of sequence changes on RNA splicing suggest that this variant may disrupt the consensus splice site. In summary, the available evidence is currently insufficient to determine the role of this variant in disease. Therefore, it has been classified as a Variant of Uncertain Significance.

CeGaT Center for Human Genetics Tuebingen
Classification: Uncertain significance. Last evaluated: 2017-08-01. Review status: criteria provided, single submitter. Criteria: CeGaT Center For Human Genetics Tuebingen Variant Classification Criteria Version 2. Collection method: clinical testing. Allele origin: germline. Affected: yes. Observed: 1 variant allele.

NM_000360.4(TH):c.98G>A (p.Arg33Gln)

Gene: TH (tyrosine hydroxylase; minus strand). Cytogenetic location: 11p15.5.
Variant type: single nucleotide variant.
Coding change: c.98G>A on transcript NM_000360.4 (MANE Select); coding-DNA position 98, G replaced by A.
Protein change: p.Arg33Gln; replaces arginine 33 with glutamine.
Molecular consequence: missense variant.
Genome position (GRCh38, 1-based): chr11:2,169,864, C>T on the plus strand (G>A on the coding strand, the complement: TH is on the minus strand). VCF-style: chr11-2169864-C-T. GRCh37 (hg19) VCF-style: chr11-2191094-C-T.
Other names: c.191G>A (NM_199292.2); c.191G>A, p.Arg64Gln (NM_199292.3); c.179G>A, p.Arg60Gln (NM_199293.3); short protein forms R64Q, R33Q, R60Q.
Identifiers: ClinVar variation 493087 (VCV000493087.45), dbSNP rs996766545, ClinGen allele CA216227842.